The following is an entry in ClinVar:

ClinVar aggregate classification (germline): Likely benign. Review status: criteria provided, multiple submitters, no conflicts (2 of 4 stars). 3 submissions from 3 submitters: Likely benign (2). 1 of the submissions does not count toward it. Last evaluated 2026-09-01.

Conditions:
CDK12-related disorder. Also called: CDK12-related condition.

Allele frequency attached by ClinVar (database versions not stated): 1000 Genomes Project 0.00060; ESP Exome Variant Server 0.00069; ExAC 0.00078; gnomAD 0.00081; TOPMed 0.00089; 1000 Genomes Project 30x 0.00094.
gnomAD v4.1: 1,759 of 1,613,818 alleles (0.11%); highest among the groups gnomAD compares: Admixed American, 0.13%; 1 homozygote.

Submissions (3):

CeGaT Center for Human Genetics Tuebingen
Classification: Likely benign. Last evaluated: 2026-09-01. Review status: criteria provided, single submitter. Criteria: CeGaT Center For Human Genetics Tuebingen Variant Classification Criteria Version 2. Collection method: clinical testing. Allele origin: germline. Affected: yes. Observed: 1 variant allele.
Comment: CDK12: BP4, BP7

Ambry Genetics
Classification: Likely benign. Last evaluated: 2024-10-04. Review status: criteria provided, single submitter. Criteria: Ambry Variant Classification Scheme 2023. Collection method: clinical testing. Allele origin: germline.

PreventionGenetics, part of Exact Sciences
Classification: Likely benign for CDK12-related condition. Last evaluated: 2019-04-11. Review status: no assertion criteria provided. Collection method: clinical testing. Allele origin: germline. Not counted in ClinVar's aggregate classification.
Comment: This variant is classified as likely benign based on ACMG/AMP sequence variant interpretation guidelines (Richards et al. 2015 PMID: 25741868, with internal and published modifications).

NM_016507.4(CDK12):c.2892C>A (p.Ile964=)

Gene: CDK12 (cyclin dependent kinase 12; plus strand). Cytogenetic location: 17q12.
Variant type: single nucleotide variant.
Coding change: c.2892C>A on transcript NM_016507.4 (MANE Select); coding-DNA position 2892, C replaced by A.
Protein change: p.Ile964=; no amino-acid change (isoleucine 964 retained).
Molecular consequence: synonymous variant.
Genome position (GRCh38, 1-based): chr17:39,517,485, C>A. VCF-style: chr17-39517485-C-A. GRCh37 (hg19) VCF-style: chr17-37673738-C-A.
Other names: c.2892C>A (NM_016507.2); c.2892C>A, p.Ile964= (NM_015083.4).
Identifiers: ClinVar variation 3039024 (VCV003039024.4), dbSNP rs150411581, ClinGen allele CA8531436.